The following is an entry in ClinVar:

ClinVar aggregate classification (germline): Likely pathogenic (1 of 4 stars; one submission).

Conditions:
Familial thoracic aortic aneurysm and aortic dissection (TAAD). Also called: Thoracic aortic aneurysms and dissections. Identifiers: Orphanet 91387, MedGen C4707243, MONDO:0019625.

Submission:

Ambry Genetics
Classification: Likely pathogenic for Familial thoracic aortic aneurysm and aortic dissection. Last evaluated: 2021-08-25. Review status: criteria provided, single submitter. Criteria: Ambry Variant Classification Scheme 2023. Collection method: clinical testing. Allele origin: germline.
Comment: The p.G906D variant (also known as c.2717G>A), located in coding exon 39 of the COL3A1 gene, results from a G to A substitution at nucleotide position 2717. The glycine at codon 906 is replaced by aspartic acid, an amino acid with similar properties. The majority (approximately two-thirds) of COL3A1 mutations identified to date have involved the substitution of another amino acid for glycine within the triple-helical domain (Pepin MG et al. Genet Med. 2014;16(12):881-8; Frank M et al. Eur J Hum Genet. 2015;23(12):1657-64). Internal structural analysis indicates that this alteration disrupts the characteristic G-X-Y motif in the COL3A1 protein and inserts a bulky side chain into a sterically-constrained region (Bella J et al. Science. 1994;266:75-81; Hohenester E et al. Proc. Natl. Acad. Sci. U.S.A. 2008;105:18273-7; Ambry internal data). This variant is considered to be rare based on population cohorts in the Genome Aggregation Database (gnomAD). This amino acid position is highly conserved in available vertebrate species. In addition, this alteration is predicted to be deleterious by in silico analysis. Based on the majority of available evidence to date, this variant is likely to be pathogenic.

NM_000090.4(COL3A1):c.2717G>A (p.Gly906Asp)

Gene: COL3A1 (collagen type III alpha 1 chain; plus strand). Cytogenetic location: 2q32.2.
Variant type: single nucleotide variant.
Coding change: c.2717G>A on transcript NM_000090.4 (MANE Select); coding-DNA position 2717, G replaced by A.
Protein change: p.Gly906Asp; replaces glycine 906 with aspartic acid.
Molecular consequence: missense variant.
Genome position (GRCh38, 1-based): chr2:189,004,037, G>A. VCF-style: chr2-189004037-G-A. GRCh37 (hg19) VCF-style: chr2-189868763-G-A.
Other names: short protein forms G906D.
Identifiers: ClinVar variation 1795121 (VCV001795121.2), dbSNP rs2469153502, ClinGen allele CA349843900.
Genomic context (GRCh38, chr2:189,004,037, plus strand): 5'-TGTAGGGTAACCCAGGACCCCCAGGTCCCAGCGGTTCTCCAGGCAAGGATGGGCCCCCAG[G>A]TCCTGCGGGTAACACTGGTGCTCCTGGCAGCCCTGGAGTGTCTGGACCAAAAGGTGATGC-3'
Protein context (NP_000081.2, residues 896-916): SGSPGKDGPP[Gly906Asp]PAGNTGAPGS